The following is an entry in ClinVar:

ClinVar aggregate classification (germline): Conflicting classifications of pathogenicity. Review status: criteria provided, conflicting classifications (1 of 4 stars). 2 submissions from 2 submitters: Uncertain significance (1); Likely benign (1). Last evaluated 2023-04-08.

Conditions:
Dilated cardiomyopathy 1D. Identifiers: Orphanet 154, Orphanet 54260, MedGen C1832243, MONDO:0011095, OMIM 601494.
Cardiomyopathy, familial restrictive, 3. Identifiers: Orphanet 75249, MedGen C2676271, MONDO:0012900, OMIM 612422.
Hypertrophic cardiomyopathy 2. Also called: TNNT2-Related Familial Hypertrophic Cardiomyopathy. Identifiers: MedGen C1861864, MONDO:0007266, OMIM 115195.
Cardiomyopathy (CMYO). Also called: Cardiomyopathies. Identifiers: Orphanet 167848, MedGen C0878544, MONDO:0004994, HP:0001638. Inheritance: Various modes of inheritance.

Allele frequency attached by ClinVar (database versions not stated): ExAC 0.00001; gnomAD exomes 0.00001.

Submissions (2):

Labcorp Genetics (formerly Invitae), Labcorp
Classification: Likely benign for Cardiomyopathy, familial restrictive, 3; Hypertrophic cardiomyopathy 2; Dilated cardiomyopathy 1D. Last evaluated: 2023-04-08. Review status: criteria provided, single submitter. Criteria: Invitae Variant Classification Sherloc (09022015). Collection method: clinical testing. Allele origin: germline.

Color Diagnostics, LLC DBA Color Health
Classification: Uncertain significance for Cardiomyopathy. Last evaluated: 2021-09-20. Review status: criteria provided, single submitter. Criteria: ACMG Guidelines, 2015. Collection method: clinical testing. Allele origin: germline.
Comment: This variant causes a duplication of nineteen nucleotides in intron 13 of the TNNT2 gene. To our knowledge, functional studies have not been reported for this variant. This variant has not been reported in individuals affected with cardiovascular disorders in the literature. This variant has been identified in 2/251410 chromosomes in the general population by the Genome Aggregation Database (gnomAD). The available evidence is insufficient to determine the role of this variant in disease conclusively. Therefore, this variant is classified as a Variant of Uncertain Significance.

NM_001276345.2(TNNT2):c.720-32_720-14dup

Gene: TNNT2 (troponin T2, cardiac type; minus strand). Cytogenetic location: 1q32.1.
Variant type: Duplication.
Coding change: c.720-32_720-14dup on transcript NM_001276345.2 (MANE Select); 32 bases into the intron before coding-DNA position 720 through 14 bases into the intron before coding-DNA position 720, 19 bases duplicated (GGACCTCCCCATTCTCACC).
Molecular consequence: intron variant.
Genome position (GRCh38, 1-based): chr1:201,361,383-201,361,401, GGTGAGAATGGGGAGGTCC duplicated on the plus strand (GGACCTCCCCATTCTCACC on the coding strand, the reverse complement: TNNT2 is on the minus strand). VCF-style (leftmost placement, unchanged base first): chr1-201361382-G-GGGTGAGAATGGGGAGGTCC. GRCh37 (hg19) VCF-style: chr1-201330510-G-GGGTGAGAATGGGGAGGTCC.
Other names: c.681-32_681-14dup (NM_001406727.1, NM_001001431.3, NM_001406726.1); c.690-32_690-14dup (NM_001406724.1, NM_001001430.3, NM_001276347.2); c.672-32_672-14dup (NM_001001432.3); c.675-32_675-14dup (NM_001406728.1); c.687-32_687-14dup (NM_001406725.1); c.591-32_591-14dup (NM_001276346.2); c.711-32_711-14dup (NM_000364.4, NM_001406723.1).
Identifiers: ClinVar variation 2774630 (VCV002774630.5), dbSNP rs759112916, ClinGen allele CA1324758.